The following is an entry in ClinVar:

ClinVar aggregate classification (germline): Likely pathogenic. Review status: criteria provided, multiple submitters, no conflicts (2 of 4 stars). 2 submissions from 2 submitters: Likely pathogenic (2). Last evaluated 2024-11-06.

Conditions:
PCSK1-related disorder. Also called: PCSK1-related condition.

Allele frequency attached by ClinVar (database versions not stated): gnomAD exomes below 0.00001.
gnomAD v4.1: 1 of 1,606,898 alleles (0.000062%); highest among the groups gnomAD compares: South Asian, 0.0011%; no homozygotes.

Submissions (2):

PreventionGenetics, part of Exact Sciences
Classification: Likely pathogenic for PCSK1-related condition. Last evaluated: 2024-11-06. Review status: criteria provided, single submitter. Criteria: ACMG Guidelines, 2015. Collection method: clinical testing. Allele origin: germline.
Comment: The PCSK1 c.543+1G>A variant is predicted to disrupt the GT donor site and interfere with normal splicing. To our knowledge, this variant has not been reported in the literature or in a large population database (gnomAD), indicating this variant is rare. Variants that disrupt the consensus splice donor site in PCSK1 are expected to be pathogenic. This variant is interpreted as likely pathogenic.

Labcorp Genetics (formerly Invitae), Labcorp
Classification: Likely pathogenic. Last evaluated: 2023-12-12. Review status: criteria provided, single submitter. Criteria: Invitae Variant Classification Sherloc (09022015). Collection method: clinical testing. Allele origin: germline.
Comment: This sequence change affects a donor splice site in intron 4 of the PCSK1 gene. It is expected to disrupt RNA splicing. Variants that disrupt the donor or acceptor splice site typically lead to a loss of protein function (PMID: 16199547), and loss-of-function variants in PCSK1 are known to be pathogenic (PMID: 23562752, 23800642, 24280991, 27391121). This variant is not present in population databases (gnomAD no frequency). This variant has not been reported in the literature in individuals affected with PCSK1-related conditions. Algorithms developed to predict the effect of sequence changes on RNA splicing suggest that this variant may disrupt the consensus splice site. In summary, the currently available evidence indicates that the variant is pathogenic, but additional data are needed to prove that conclusively. Therefore, this variant has been classified as Likely Pathogenic.

Literature cited by the submitters: PubMed 16199547 (cited by Labcorp Genetics (formerly Invitae), Labcorp); PubMed 23562752 (cited by Labcorp Genetics (formerly Invitae), Labcorp); PubMed 23800642 (cited by Labcorp Genetics (formerly Invitae), Labcorp); PubMed 24280991 (cited by Labcorp Genetics (formerly Invitae), Labcorp); PubMed 27391121 (cited by Labcorp Genetics (formerly Invitae), Labcorp).

NM_000439.5(PCSK1):c.543+1G>A

Genes: CAST (calpastatin; plus strand), PCSK1 (proprotein convertase subtilisin/kexin type 1; minus strand), LOC101929710 (uncharacterized LOC101929710; plus strand). Cytogenetic location: 5q15.
Variant type: single nucleotide variant.
Coding change: c.543+1G>A on transcript NM_000439.5 (MANE Select); the canonical splice donor site of the intron after coding-DNA position 543, G replaced by A.
Molecular consequence: splice donor variant. On other transcripts: intron variant (11).
Genome position (GRCh38, 1-based): chr5:96,423,312, C>T on the plus strand (G>A on the coding strand, the complement: PCSK1 is on the minus strand). VCF-style: chr5-96423312-C-T. GRCh37 (hg19) VCF-style: chr5-95759016-C-T.
Other names: c.-175+43660C>T (NM_001423254.1, NM_001423259.1, NM_001423255.1 and 6 more transcripts); c.-103+43660C>T (NM_001423253.1); c.-40+43660C>T (NM_001423258.1); c.402+1G>A (NM_001177875.2).
Identifiers: ClinVar variation 2702619 (VCV002702619.4), dbSNP rs962867098, ClinGen allele CA122930165.